The following is an entry in ClinVar:

NM_005591.4(MRE11):c.1129A>G (p.Ser377Gly)

Gene: MRE11 (MRE11 double strand break repair nuclease; minus strand). Cytogenetic location: 11q21.
Variant type: single nucleotide variant.
Coding change: c.1129A>G on transcript NM_005591.4 (MANE Select); coding-DNA position 1129, A replaced by G.
Protein change: p.Ser377Gly; replaces serine 377 with glycine.
Molecular consequence: missense variant.
Genome position (GRCh38, 1-based): chr11:94,464,209, T>C on the plus strand (A>G on the coding strand, the complement: MRE11 is on the minus strand). VCF-style: chr11-94464209-T-C. GRCh37 (hg19) VCF-style: chr11-94197375-T-C.
Other names: c.1129A>G, p.Ser377Gly (NM_001330347.2, NM_005590.4); short protein forms S377G.
Identifiers: ClinVar variation 219926 (VCV000219926.15), dbSNP rs754522007, ClinGen allele CA350023.

ClinVar aggregate classification (germline): Uncertain significance. Review status: criteria provided, multiple submitters, no conflicts (2 of 4 stars). 4 submissions from 4 submitters: Uncertain significance (4). Last evaluated 2025-12-15.

Conditions:
Ataxia-telangiectasia-like disorder (ATLD). Identifiers: MedGen C1858391, MONDO:0011457.
Hereditary cancer-predisposing syndrome. Also called: Hereditary neoplastic syndrome; Tumor predisposition; Hereditary Cancer Syndrome; Neoplastic Syndromes, Hereditary. Identifiers: Orphanet 140162, MedGen C0027672, MeSH D009386, MONDO:0015356.
Ataxia-telangiectasia-like disorder 1 (ATLD1). Identifiers: Orphanet 251347, MedGen C4012790, MONDO:0024557, OMIM 604391.

Allele frequency attached by ClinVar (database versions not stated): ExAC 0.00001; gnomAD exomes 0.00001; gnomAD 0.00002; TOPMed 0.00004.
gnomAD v4.1: 10 of 1,613,860 alleles (0.00062%); highest among the groups gnomAD compares: African/African-American, 0.011%; no homozygotes.

Submissions (4):

Labcorp Genetics (formerly Invitae), Labcorp
Classification: Uncertain significance for Ataxia-telangiectasia-like disorder. Last evaluated: 2025-12-15. Review status: criteria provided, single submitter. Criteria: Invitae Variant Classification Sherloc (09022015). Collection method: clinical testing. Allele origin: germline.
Comment: This sequence change replaces serine, which is neutral and polar, with glycine, which is neutral and non-polar, at codon 377 of the MRE11 protein (p.Ser377Gly). This variant is present in population databases (rs754522007, gnomAD 0.02%). This variant has not been reported in the literature in individuals affected with MRE11-related conditions. ClinVar contains an entry for this variant (Variation ID: 219926). An algorithm developed to predict the effect of missense changes on protein structure and function (PolyPhen-2) suggests that this variant is likely to be tolerated. In summary, the available evidence is currently insufficient to determine the role of this variant in disease. Therefore, it has been classified as a Variant of Uncertain Significance.

Women's Health and Genetics/Laboratory Corporation of America, LabCorp
Classification: Uncertain significance. Last evaluated: 2025-07-18. Review status: criteria provided, single submitter. Criteria: LabCorp Variant Classification Summary - May 2015. Collection method: clinical testing. Allele origin: germline.
Comment: Variant summary: MRE11A c.1129A>G (p.Ser377Gly) results in a non-conservative amino acid change in the encoded protein sequence. Algorithms developed to predict the effect of missense changes on protein structure and function are either unavailable or do not agree on the potential impact of this missense change. The variant allele was found at a frequency of 5.5e-06 in 1462642 control chromosomes. The available data on variant occurrences in the general population are insufficient to allow any conclusion about variant significance. To our knowledge, no occurrence of c.1129A>G in individuals affected with Ataxia Telangiectasia-Like Disorder and no experimental evidence demonstrating its impact on protein function have been reported. The following publication has been ascertained in the context of this evaluation (PMID: 38308423). ClinVar contains an entry for this variant (Variation ID: 219926). Based on the evidence outlined above, the variant was classified as uncertain significance.

Ambry Genetics
Classification: Uncertain significance for Hereditary cancer-predisposing syndrome. Last evaluated: 2024-10-29. Review status: criteria provided, single submitter. Criteria: Ambry Variant Classification Scheme 2023. Collection method: clinical testing. Allele origin: germline.
Comment: The p.S377G variant (also known as c.1129A>G), located in coding exon 10 of the MRE11A gene, results from an A to G substitution at nucleotide position 1129. The serine at codon 377 is replaced by glycine, an amino acid with similar properties. This amino acid position is poorly conserved in available vertebrate species. In addition, this alteration is predicted to be tolerated by in silico analysis. Based on the available evidence, the clinical significance of this variant remains unclear.

Baylor Genetics
Classification: Uncertain significance for Ataxia-telangiectasia-like disorder 1. Last evaluated: 2023-11-02. Review status: criteria provided, single submitter. Criteria: ACMG Guidelines, 2015. Collection method: clinical testing. Allele origin: unknown.

Literature cited by the submitters: PubMed 38308423 (cited by Women's Health and Genetics/Laboratory Corporation of America, LabCorp).